The following is an entry in ClinVar:

NM_003560.4(PLA2G6):c.101C>T (p.Ser34Leu)

Gene: PLA2G6 (phospholipase A2 group VI; minus strand). Cytogenetic location: 22q13.1.
Variant type: single nucleotide variant.
Coding change: c.101C>T on transcript NM_003560.4 (MANE Select); coding-DNA position 101, C replaced by T.
Protein change: p.Ser34Leu; replaces serine 34 with leucine.
Molecular consequence: missense variant. On other transcripts: 5 prime UTR variant (3).
Genome position (GRCh38, 1-based): chr22:38,169,326, G>A on the plus strand (C>T on the coding strand, the complement: PLA2G6 is on the minus strand). VCF-style: chr22-38169326-G-A. GRCh37 (hg19) VCF-style: chr22-38565333-G-A.
Other names: c.101C>T, p.Ser34Leu (NM_001004426.3, NM_001199562.3, NM_001349864.2 and 2 more transcripts); c.-565C>T (NM_001349867.2, NM_001349869.2); c.-390C>T (NM_001349868.2); short protein forms S34L.
Identifiers: ClinVar variation 341649 (VCV000341649.66), dbSNP rs147948449, ClinGen allele CA10231376.

ClinVar aggregate classification (germline): Conflicting classifications of pathogenicity. Review status: criteria provided, conflicting classifications (1 of 4 stars). 8 submissions from 8 submitters: Uncertain significance (7); Likely benign (1). Last evaluated 2026-01-19.

Conditions:
Infantile neuroaxonal dystrophy (NBIA2A). Also called: SEITELBERGER DISEASE; NEURODEGENERATION WITH BRAIN IRON ACCUMULATION 2A; Infantile neuroaxonal dystrophy 1. Identifiers: Orphanet 35069, MedGen C0270724, MONDO:0024457, OMIM 256600.
PLA2G6-related disorder. Also called: PLA2G6-related condition.
Neurodegeneration with brain iron accumulation 2B. Also called: aNAD; atypical Neuroaxonal Dystrophy (aNAD); NEUROAXONAL DYSTROPHY, ATYPICAL; NEURODEGENERATION WITH BRAIN IRON ACCUMULATION, PLA2G6-RELATED. Identifiers: Orphanet 35069, MedGen C1857747, MONDO:0012444, OMIM 610217.
Autosomal recessive Parkinson disease 14. Also called: DYSTONIA-PARKINSONISM, ADULT-ONSET; PARKINSON DISEASE 14. Identifiers: Orphanet 199351, MedGen C2751842, MONDO:0013060, OMIM 612953.
PLA2G6-associated neurodegeneration (PLAN). Also called: phospholipase A2-associated neurodegeneration. Identifiers: Orphanet 329303, MedGen CN204472, MONDO:0017998.

Allele frequency attached by ClinVar (database versions not stated): 1000 Genomes Project 0.00020; 1000 Genomes Project 30x 0.00031; ExAC 0.00033; gnomAD exomes 0.00034 and 0.00067; TOPMed 0.00034; gnomAD 0.00039 and 0.00040; ESP Exome Variant Server 0.00046.
gnomAD v4.1: 1,017 of 1,614,146 alleles (0.063%); highest among the groups gnomAD compares: Non-Finnish European, 0.083%; 1 homozygote.

Submissions (8):

Labcorp Genetics (formerly Invitae), Labcorp
Classification: Likely benign for Infantile neuroaxonal dystrophy. Last evaluated: 2026-01-19. Review status: criteria provided, single submitter. Criteria: Invitae Variant Classification Sherloc (09022015). Collection method: clinical testing. Allele origin: germline.

PreventionGenetics, part of Exact Sciences
Classification: Uncertain significance for PLA2G6-related condition. Last evaluated: 2025-08-28. Review status: criteria provided, single submitter. Criteria: ACMG Guidelines, 2015. Collection method: clinical testing. Allele origin: germline.
Comment: The PLA2G6 c.101C>T variant is predicted to result in the amino acid substitution p.Ser34Leu. This variant was reported in an individual with Parkinson disease (Supplemental Table 2, Ghani et al. 2015. PubMed ID: 25174650). This variant is reported in 0.067% of alleles in individuals of European (Non-Finnish) descent in gnomAD. Although we suspect that this variant may be benign, at this time, the clinical significance of this variant is uncertain due to the absence of conclusive functional and genetic evidence.

Mayo Clinic Laboratories, Mayo Clinic
Classification: Uncertain significance. Last evaluated: 2025-08-26. Review status: criteria provided, single submitter. Criteria: ACMG Guidelines, 2015. Collection method: clinical testing. Allele origin: germline. Observed: 3 variant alleles.
Comment: BP4_moderate

GeneDx
Classification: Uncertain significance. Last evaluated: 2025-04-24. Review status: criteria provided, single submitter. Criteria: GeneDx Variant Classification Process June 2021. Collection method: clinical testing. Allele origin: germline. Affected: yes.
Comment: Reported in association with Parkinson disease; however, no additional information was provided (PMID: 25174650); Observed with a benign variant in the PLA2G6 gene in a patient with Parkinson disease; however, segregation information was not provided (PMID: 37024536); In silico analysis supports that this missense variant has a deleterious effect on protein structure/function; This variant is associated with the following publications: (PMID: Jerez2022[casereport], 25174650, 37024536, 39095811)

CeGaT Center for Human Genetics Tuebingen
Classification: Uncertain significance. Last evaluated: 2024-07-01. Review status: criteria provided, single submitter. Criteria: CeGaT Center For Human Genetics Tuebingen Variant Classification Criteria Version 2. Collection method: clinical testing. Allele origin: germline. Affected: yes. Observed: 8 variant alleles.
Comment: PLA2G6: PM2, BP4

Fulgent Genetics
Classification: Uncertain significance for Infantile neuroaxonal dystrophy; Neurodegeneration with brain iron accumulation 2B; Autosomal recessive Parkinson disease 14. Last evaluated: 2018-10-31. Review status: criteria provided, single submitter. Criteria: ACMG Guidelines, 2015. Collection method: clinical testing. Allele origin: unknown.

Illumina Laboratory Services, Illumina
Classification: Uncertain significance for PLA2G6-associated neurodegeneration. Last evaluated: 2018-01-12. Review status: criteria provided, single submitter. Criteria: ICSL Variant Classification Criteria 13 December 2019. Collection method: clinical testing. Allele origin: germline.

Athena Diagnostics
Classification: Uncertain significance. Last evaluated: 2017-01-24. Review status: criteria provided, single submitter. Criteria: Athena Diagnostics Criteria. Collection method: clinical testing. Allele origin: germline.

Literature cited by the submitters: PubMed 25174650 (cited by Mayo Clinic Laboratories, Mayo Clinic and Athena Diagnostics); PubMed 37024536 (cited by Mayo Clinic Laboratories, Mayo Clinic).